The following is an entry in ClinVar:

NM_170682.4(P2RX2):c.662G>A (p.Gly221Glu)

Gene: P2RX2 (purinergic receptor P2X 2; plus strand). Cytogenetic location: 12q24.33.
Variant type: single nucleotide variant.
Coding change: c.662G>A on transcript NM_170682.4 (MANE Select); coding-DNA position 662, G replaced by A.
Protein change: p.Gly221Glu; replaces glycine 221 with glutamic acid.
Molecular consequence: missense variant. On other transcripts: synonymous variant (1).
Genome position (GRCh38, 1-based): chr12:132,620,471, G>A. VCF-style: chr12-132620471-G-A. GRCh37 (hg19) VCF-style: chr12-133197057-G-A.
Other names: c.555G>A, p.Arg185= (NM_001282164.2); c.662G>A, p.Gly221Glu (NM_001282165.2, NM_170683.4, NM_174873.3); c.446G>A, p.Gly149Glu (NM_012226.5); c.590G>A, p.Gly197Glu (NM_016318.4); c.386G>A, p.Gly129Glu (NM_174872.3); short protein forms G129E, G149E, G197E, G221E.
Identifiers: ClinVar variation 3907040 (VCV003907040.1).
Genomic context (GRCh38, chr12:132,620,471, plus strand): 5'-GGGGTGCAGGTCTCGCCTCCTGCCGCCTCCTCAGGGGCAACATCGCCGACCGCACAGACG[G>A]GTACCTGAAGCGCTGCACGTTCCACGAGGCCTCCGACCTCTACTGCCCCATCTTCAAGCT-3'
Protein context (NP_733782.1, residues 211-231): SKGNIADRTD[Gly221Glu]YLKRCTFHEA

ClinVar aggregate classification (germline): Uncertain significance (1 of 4 stars; one submission).

gnomAD v4.1: 8 of 1,614,078 alleles (0.0005%); highest among the groups gnomAD compares: Non-Finnish European, 0.00068%; no homozygotes.

Submission:

Women's Health and Genetics/Laboratory Corporation of America, LabCorp
Classification: Uncertain significance. Last evaluated: 2025-06-17. Review status: criteria provided, single submitter. Criteria: LabCorp Variant Classification Summary - May 2015. Collection method: clinical testing. Allele origin: germline.
Comment: Variant summary: P2RX2 c.662G>A (p.Gly221Glu) results in a non-conservative amino acid change in the encoded protein sequence. Algorithms developed to predict the effect of missense changes on protein structure and function are either unavailable or do not agree on the potential impact of this missense change. The variant allele was found at a frequency of 8e-06 in 251274 control chromosomes. The available data on variant occurrences in the general population are insufficient to allow any conclusion about variant significance. To our knowledge, no occurrence of c.662G>A in individuals affected with Autosomal Dominant Nonsyndromic Hearing Loss 41 and no experimental evidence demonstrating its impact on protein function have been reported. No submitters have cited clinical-significance assessments for this variant to ClinVar. Based on the evidence outlined above, the variant was classified as uncertain significance.